The following is an entry in ClinVar:

ClinVar aggregate classification (germline): Uncertain significance (1 of 4 stars; one submission).

Allele frequency attached by ClinVar (database versions not stated): gnomAD 0.00002; gnomAD exomes 0.00002 and 0.00011; TOPMed 0.00003; ExAC 0.00010.
gnomAD v4.1: 39 of 1,611,002 alleles (0.0024%); highest among the groups gnomAD compares: East Asian, 0.042%; no homozygotes.

Submission:

Labcorp Genetics (formerly Invitae), Labcorp
Classification: Uncertain significance. Last evaluated: 2025-07-23. Review status: criteria provided, single submitter. Criteria: Invitae Variant Classification Sherloc (09022015). Collection method: clinical testing. Allele origin: germline.
Comment: This sequence change replaces arginine, which is basic and polar, with histidine, which is basic and polar, at codon 117 of the RPL19 protein (p.Arg117His). This variant is present in population databases (rs773243876, gnomAD 0.1%), and has an allele count higher than expected for a pathogenic variant. This variant has not been reported in the literature in individuals affected with RPL19-related conditions. ClinVar contains an entry for this variant (Variation ID: 960880). An algorithm developed to predict the effect of missense changes on protein structure and function (PolyPhen-2) suggests that this variant is likely to be tolerated. In summary, the available evidence is currently insufficient to determine the role of this variant in disease. Therefore, it has been classified as a Variant of Uncertain Significance.

NM_000981.4(RPL19):c.350G>A (p.Arg117His)

Gene: RPL19 (ribosomal protein L19; plus strand). Cytogenetic location: 17q12.
Variant type: single nucleotide variant.
Coding change: c.350G>A on transcript NM_000981.4 (MANE Select); coding-DNA position 350, G replaced by A.
Protein change: p.Arg117His; replaces arginine 117 with histidine.
Molecular consequence: missense variant.
Genome position (GRCh38, 1-based): chr17:39,203,103, G>A. VCF-style: chr17-39203103-G-A. GRCh37 (hg19) VCF-style: chr17-37359356-G-A.
Other names: c.344G>A, p.Arg115His (NM_001330200.1); short protein forms R115H, R117H.
Identifiers: ClinVar variation 960880 (VCV000960880.10), dbSNP rs773243876, ClinGen allele CA8528903.